The following is an entry in ClinVar:

NM_004260.4(RECQL4):c.2015C>A (p.Thr672Asn)

Gene: RECQL4 (RecQ like helicase 4; minus strand). Cytogenetic location: 8q24.3.
Variant type: single nucleotide variant.
Coding change: c.2015C>A on transcript NM_004260.4 (MANE Select); coding-DNA position 2015, C replaced by A.
Protein change: p.Thr672Asn; replaces threonine 672 with asparagine.
Molecular consequence: missense variant. On other transcripts: non-coding transcript variant (3).
Genome position (GRCh38, 1-based): chr8:144,513,971, G>T on the plus strand (C>A on the coding strand, the complement: RECQL4 is on the minus strand). VCF-style: chr8-144513971-G-T. GRCh37 (hg19) VCF-style: chr8-145739355-G-T.
Other names: c.1919C>A, p.Thr640Asn (NM_001413017.1, NM_001413020.1); c.2015C>A, p.Thr672Asn (NM_001413018.1, NM_001413019.1, NM_001413036.1); c.944C>A, p.Thr315Asn (NM_001413021.1, NM_001413022.1, NM_001413023.1 and 6 more transcripts); c.1886C>A, p.Thr629Asn (NM_001413025.1); c.878C>A, p.Thr293Asn (NM_001413027.1, NM_001413030.1, NM_001413032.1 and 1 more transcripts); c.1664C>A, p.Thr555Asn (NM_001413029.1); c.746C>A, p.Thr249Asn (NM_001413031.1); c.1883C>A, p.Thr628Asn (NM_001413033.1); and 4 more; short protein forms T555N, T672N, T293N, T305N, T315N, T183N, T249N, T629N.
Identifiers: ClinVar variation 3788035 (VCV003788035.1).

ClinVar aggregate classification (germline): Uncertain significance (1 of 4 stars; one submission).

Conditions:
Inborn genetic diseases. Identifiers: MedGen C0950123, MeSH D030342.

Submission:

Ambry Genetics
Classification: Uncertain significance for Inborn genetic diseases. Last evaluated: 2025-02-10. Review status: criteria provided, single submitter. Criteria: Ambry Variant Classification Scheme 2023. Collection method: clinical testing. Allele origin: germline.
Comment: The p.T672N variant (also known as c.2015C>A), located in coding exon 12 of the RECQL4 gene, results from a C to A substitution at nucleotide position 2015. The threonine at codon 672 is replaced by asparagine, an amino acid with similar properties. This amino acid position is conserved. In addition, this alteration is predicted to be tolerated by in silico analysis. Based on the available evidence, the clinical significance of this variant remains unclear.